The following is an entry in ClinVar:

ClinVar aggregate classification (germline): Likely pathogenic (1 of 4 stars; one submission).

Conditions:
Inborn genetic diseases. Identifiers: MedGen C0950123, MeSH D030342.

Submission:

Ambry Genetics
Classification: Likely pathogenic for Inborn genetic diseases. Last evaluated: 2025-10-22. Review status: criteria provided, single submitter. Criteria: Ambry Variant Classification Scheme 2023. Collection method: clinical testing. Allele origin: germline.
Comment: The c.913delG (p.A305Lfs*234) alteration, located in exon 3 (coding exon 3) of the SMAD6 gene, consists of a deletion of one nucleotide at position 913, causing a translational frameshift with a predicted alternate stop codon after 234 amino acids. This variant is not expected to trigger nonsense-mediated mRNA decay, and impacts the last 38% of the protein. However, premature stop codons are typically deleterious in nature, the impacted region is critical for protein function (Ambry internal data) and a significant portion of the protein is affected (Ambry internal data). for Autosomal Recessive SMAD6 deficiency and Autosomal Dominant SMAD6-related disorders. This variant was not reported in population-based cohorts in the Genome Aggregation Database (gnomAD). Based on the available evidence, this alteration is classified as likely pathogenic.

NM_005585.5(SMAD6):c.913del (p.Ala305fs)

Gene: SMAD6 (SMAD family member 6; plus strand). Cytogenetic location: 15q22.31.
Variant type: Deletion.
Coding change: c.913del on transcript NM_005585.5 (MANE Select); coding-DNA position 913, one base deleted (G; older notation c.913delG).
Protein change: p.Ala305fs; shifts the reading frame from alanine 305.
Molecular consequence: frameshift variant. On other transcripts: non-coding transcript variant (1).
Genome position (GRCh38, 1-based): chr15:66,716,459, G deleted; the last of 2 consecutive G bases (chr15:66,716,458-66,716,459); deleting either gives the same sequence. VCF-style (leftmost placement, unchanged base first): chr15-66716457-AG-A. GRCh37 (hg19) VCF-style: chr15-67008795-AG-A.
Other names: short protein forms A305fs.
Identifiers: ClinVar variation 4631610 (VCV004631610.1).